The following is an entry in ClinVar:

NM_006096.4(NDRG1):c.343A>G (p.Met115Val)

Gene: NDRG1 (N-myc downstream regulated 1; minus strand). Cytogenetic location: 8q24.22.
Variant type: single nucleotide variant.
Coding change: c.343A>G on transcript NM_006096.4 (MANE Select); coding-DNA position 343, A replaced by G.
Protein change: p.Met115Val; replaces methionine 115 with valine.
Molecular consequence: missense variant.
Genome position (GRCh38, 1-based): chr8:133,259,214, T>C on the plus strand (A>G on the coding strand, the complement: NDRG1 is on the minus strand). VCF-style: chr8-133259214-T-C. GRCh37 (hg19) VCF-style: chr8-134271457-T-C.
Other names: c.343A>G, p.Met115Val (NM_001135242.2, NM_001374844.1, NM_001374845.1 and 1 more transcripts); c.145A>G, p.Met49Val (NM_001258432.2, NM_001374847.1); c.100A>G, p.Met34Val (NM_001258433.2); short protein forms M34V, M49V, M115V.
Identifiers: ClinVar variation 2143284 (VCV002143284.1), dbSNP rs1020256740, ClinGen allele CA186380536.
Genomic context (GRCh38, chr8:133,259,214, plus strand): 5'-TCCTTCGCTCTTACCCAAACTGTTGAAGGACTCCAGGAAGCATTTCAGCCAGCTGATCCA[T>C]GGAGGGGTACATGTACCTGGGGATGACACAGAGAAGCCATTAGTGAGCGCCCGGACAGAA-3'
Protein context (NP_006087.2, residues 105-125): SFPAGYMYPS[Met115Val]DQLAEMLPGV

ClinVar aggregate classification (germline): Uncertain significance (1 of 4 stars; one submission).

Conditions:
Charcot-Marie-Tooth disease type 4. Also called: Charcot-Marie-Tooth, Type 4; Charcot-Marie-Tooth disease, type IV. Identifiers: Orphanet 64749, MedGen C4082197, MONDO:0018995.

Allele frequency attached by ClinVar (database versions not stated): gnomAD exomes below 0.00001; gnomAD 0.00001.

Submission:

Labcorp Genetics (formerly Invitae), Labcorp
Classification: Uncertain significance for Charcot-Marie-Tooth disease type 4. Last evaluated: 2022-03-11. Review status: criteria provided, single submitter. Criteria: Invitae Variant Classification Sherloc (09022015). Collection method: clinical testing. Allele origin: germline.
Comment: This sequence change replaces methionine, which is neutral and non-polar, with valine, which is neutral and non-polar, at codon 115 of the NDRG1 protein (p.Met115Val). This variant is not present in population databases (gnomAD no frequency). This variant has not been reported in the literature in individuals affected with NDRG1-related conditions. Algorithms developed to predict the effect of missense changes on protein structure and function are either unavailable or do not agree on the potential impact of this missense change (SIFT: "Deleterious"; PolyPhen-2: "Probably Damaging"; Align-GVGD: "Class C0"). In summary, the available evidence is currently insufficient to determine the role of this variant in disease. Therefore, it has been classified as a Variant of Uncertain Significance.